The following is an entry in ClinVar:

ClinVar aggregate classification (germline): Likely benign. Review status: criteria provided, multiple submitters, no conflicts (2 of 4 stars). 2 submissions from 2 submitters: Likely benign (2). Last evaluated 2023-09-07.

Allele frequency attached by ClinVar (database versions not stated): ExAC 0.00002; gnomAD 0.00003; gnomAD exomes 0.00003; TOPMed 0.00003.
gnomAD v4.1: 47 of 1,582,174 alleles (0.003%); highest among the groups gnomAD compares: Non-Finnish European, 0.0041%; no homozygotes.

Submissions (2):

Women's Health and Genetics/Laboratory Corporation of America, LabCorp
Classification: Likely benign. Last evaluated: 2023-09-07. Review status: criteria provided, single submitter. Criteria: LabCorp Variant Classification Summary - May 2015. Collection method: clinical testing. Allele origin: germline.
Comment: Variant summary: PDE3A c.2139+12A>G alters a non-conserved nucleotide located at a position not widely known to affect splicing. Consensus agreement among computation tools predict no significant impact on normal splicing. However, these predictions have yet to be confirmed by functional studies. The variant allele was found at a frequency of 1.3e-05 in 238690 control chromosomes (gnomAD). The available data on variant occurrences in the general population are insufficient to allow any conclusion about variant significance. To our knowledge, no occurrence of c.2139+12A>G in individuals affected with Brachydactyly-Arterial Hypertension Syndrome and no experimental evidence demonstrating its impact on protein function have been reported. No submitters have cited clinical-significance assessments for this variant to ClinVar after 2014. Based on the evidence outlined above, the variant was classified as likely benign.

Blueprint Genetics
Classification: Likely benign. Last evaluated: 2022-11-24. Review status: criteria provided, single submitter. Criteria: ACMG Guidelines, 2015. Collection method: clinical testing. Allele origin: germline.

NM_000921.5(PDE3A):c.2139+12A>G

Gene: PDE3A (phosphodiesterase 3A; plus strand). Cytogenetic location: 12p12.2.
Variant type: single nucleotide variant.
Coding change: c.2139+12A>G on transcript NM_000921.5 (MANE Select); 12 bases into the intron after coding-DNA position 2139, A replaced by G.
Molecular consequence: intron variant.
Genome position (GRCh38, 1-based): chr12:20,637,249, A>G. VCF-style: chr12-20637249-A-G. GRCh37 (hg19) VCF-style: chr12-20790183-A-G.
Other names: c.1176+12A>G (NM_001378408.1); c.1833+12A>G (NM_001378407.1); c.1173+12A>G (NM_001244683.2, NM_001378409.1).
Identifiers: ClinVar variation 2627148 (VCV002627148.2), dbSNP rs778036645, ClinGen allele CA6473957.